The following is an entry in ClinVar:

NM_000528.4(MAN2B1):c.562C>T (p.Arg188Ter)

Gene: MAN2B1 (mannosidase alpha class 2B member 1; minus strand). Cytogenetic location: 19p13.13.
Variant type: single nucleotide variant.
Coding change: c.562C>T on transcript NM_000528.4 (MANE Select); coding-DNA position 562, C replaced by T.
Protein change: p.Arg188Ter; replaces arginine 188 with a stop codon.
Molecular consequence: nonsense.
Genome position (GRCh38, 1-based): chr19:12,664,860, G>A on the plus strand (C>T on the coding strand, the complement: MAN2B1 is on the minus strand). VCF-style: chr19-12664860-G-A. GRCh37 (hg19) VCF-style: chr19-12775674-G-A.
Other names: c.562C>T, p.Arg188Ter (NM_001173498.2); short protein forms R188*.
Identifiers: ClinVar variation 633292 (VCV000633292.20), dbSNP rs1429239930, ClinGen allele CA9226780.
Genomic context (GRCh38, chr19:12,664,860, plus strand): 5'-ACAGCGAGGCCTGCTCCCGAGAGTGGCCGAAGGGGTCAATGTGCCAGGCCACACGGGGTC[G>A]CCCATCATTGCCAAATGTGTCCTCCAGAAAGCGCAGCCCAAGTGTCATCTGGTCCACGAT-3'

ClinVar aggregate classification (germline): Pathogenic. Review status: criteria provided, multiple submitters, no conflicts (2 of 4 stars). 5 submissions from 5 submitters: Pathogenic (5). Last evaluated 2025-08-28.

Conditions:
Deficiency of alpha-mannosidase (MANSA). Also called: Alpha-Mannosidosis; Mannosidosis, alpha-, types I and II; LYSOSOMAL ALPHA-D-MANNOSIDASE DEFICIENCY. Identifiers: Orphanet 61, MedGen C0024748, MONDO:0009561, OMIM 248500.

Allele frequency attached by ClinVar (database versions not stated): gnomAD exomes below 0.00001; ExAC 0.00001; gnomAD 0.00001; TOPMed 0.00001.
gnomAD v4.1: 4 of 1,613,806 alleles (0.00025%); highest among the groups gnomAD compares: Non-Finnish European, 0.00034%; no homozygotes.

Submissions (5):

Natera, Inc.
Classification: Pathogenic for Alpha-mannosidosis. Last evaluated: 2025-08-28. Review status: criteria provided, single submitter. Criteria: Natera Variant Classification Schema (03/2026). Collection method: clinical testing. Allele origin: germline.
Comment: The c.562C>T variant in MAN2B1 is a nonsense variant predicted to introduce a stop codon at amino acid 188. This variant is expected to result in nonsense mediated decay, truncation, or a dysfunctional protein product. This variant is rare in the general population with a frequency below the threshold expected for the associated phenotype(s). This variant has been observed in one or more individuals affected with the associated recessive disease, as either homozygous or compound heterozygous with a second variant (PMID: 15712269). Additionally, this variant has been observed to segregate in affected family members (PMID: 15712269). Given the available evidence, this variant is classified as Pathogenic.

Labcorp Genetics (formerly Invitae), Labcorp
Classification: Pathogenic for Deficiency of alpha-mannosidase. Last evaluated: 2024-03-27. Review status: criteria provided, single submitter. Criteria: Invitae Variant Classification Sherloc (09022015). Collection method: clinical testing. Allele origin: germline.
Comment: This sequence change creates a premature translational stop signal (p.Arg188*) in the MAN2B1 gene. It is expected to result in an absent or disrupted protein product. Loss-of-function variants in MAN2B1 are known to be pathogenic (PMID: 9915946, 22161967). The frequency data for this variant in the population databases is considered unreliable, as metrics indicate poor data quality at this position in the gnomAD database. This premature translational stop signal has been observed in individual(s) with alpha-mannosidosis (PMID: 15712269). ClinVar contains an entry for this variant (Variation ID: 633292). For these reasons, this variant has been classified as Pathogenic.

GeneDx
Classification: Pathogenic. Last evaluated: 2022-07-27. Review status: criteria provided, single submitter. Criteria: GeneDx Variant Classification Process June 2021. Collection method: clinical testing. Allele origin: germline. Affected: yes.
Comment: Nonsense variant predicted to result in protein truncation or nonsense mediated decay in a gene for which loss of function is a known mechanism of disease; Not observed at significant frequency in large population cohorts (gnomAD); This variant is associated with the following publications: (PMID: 25525159, 15712269)

Genome-Nilou Lab
Classification: Pathogenic for Deficiency of alpha-mannosidase. Last evaluated: 2021-09-05. Review status: criteria provided, single submitter. Criteria: ACMG Guidelines, 2015. Collection method: clinical testing. Allele origin: germline. Affected: no.

Women's Health and Genetics/Laboratory Corporation of America, LabCorp
Classification: Pathogenic for Deficiency of alpha-mannosidase. Last evaluated: 2018-02-12. Review status: criteria provided, single submitter. Criteria: LabCorp Variant Classification Summary - May 2015. Collection method: clinical testing. Allele origin: germline.
Comment: Variant summary: MAN2B1 c.562C>T (p.Arg188X) results in a premature termination codon, predicted to cause a truncation of the encoded protein or absence of the protein due to nonsense mediated decay, which are commonly known mechanisms for disease. Truncations downstream of this position have been classified as pathogenic by our laboratory (eg. c.1383C>G, p.Tyr461X; c.2278C>T, p.Arg760X). The variant allele was found at a frequency of 8.6e-06 in 116120 control chromosomes in ExAC and literature. c.562C>T has been reported in the literature in individuals affected with Alpha-Mannosidosis (Sbaragli_2005). These data indicate that the variant is likely to be associated with disease. At least one publication reports experimental evidence evaluating an impact on protein function. The most pronounced variant effect results in <10% of normal activity. No clinical diagnostic laboratories have submitted clinical-significance assessments for this variant to ClinVar after 2014. Based on the evidence outlined above, the variant was classified as pathogenic.

Literature cited by the submitters: PubMed 15712269 (cited by 3 submitters); PubMed 9915946 (cited by Labcorp Genetics (formerly Invitae), Labcorp); PubMed 22161967 (cited by Labcorp Genetics (formerly Invitae), Labcorp).